The following is an entry in ClinVar:

NM_152383.5(DIS3L2):c.2596_2597del (p.Leu866fs)

Gene: DIS3L2 (DIS3 like 3'-5' exoribonuclease 2; plus strand). Cytogenetic location: 2q37.1.
Variant type: Deletion.
Coding change: c.2596_2597del on transcript NM_152383.5 (MANE Select); coding-DNA positions 2596 to 2597, 2 bases deleted (CT; older notation c.2596_2597delCT).
Protein change: p.Leu866fs; shifts the reading frame from leucine 866.
Molecular consequence: frameshift variant. On other transcripts: non-coding transcript variant (2), intron variant (1).
Genome position (GRCh38, 1-based): chr2:232,336,568-232,336,569, CT deleted. VCF-style (leftmost placement, unchanged base first): chr2-232336567-CCT-C. GRCh37 (hg19) VCF-style: chr2-233201277-CCT-C.
Other names: c.1582-6777_1582-6776del (NM_001257281.2); short protein forms L866fs.
Identifiers: ClinVar variation 1506491 (VCV001506491.6), dbSNP rs2106357386, ClinGen allele CA2573135578.

ClinVar aggregate classification (germline): Uncertain significance (1 of 4 stars; one submission).

Conditions:
Perlman syndrome (PRLMNS). Identifiers: Orphanet 2849, MedGen C0796113, MONDO:0009965, OMIM 267000.

Submission:

Labcorp Genetics (formerly Invitae), Labcorp
Classification: Uncertain significance for Perlman syndrome. Last evaluated: 2021-06-02. Review status: criteria provided, single submitter. Criteria: Invitae Variant Classification Sherloc (09022015). Collection method: clinical testing. Allele origin: germline.
Comment: In summary, the available evidence is currently insufficient to determine the role of this variant in disease. Therefore, it has been classified as a Variant of Uncertain Significance. Experimental studies and prediction algorithms are not available or were not evaluated, and the functional significance of this variant is currently unknown. This variant has not been reported in the literature in individuals with DIS3L2-related conditions. This variant is not present in population databases (ExAC no frequency). This sequence change creates a premature translational stop signal (p.Leu866Glyfs*3) in the DIS3L2 gene. While this is not anticipated to result in nonsense mediated decay, it is expected to disrupt the last 20 amino acid(s) of the DIS3L2 protein.